The following is an entry in ClinVar:

NM_001385012.1(NBEA):c.2146G>C (p.Asp716His)

Gene: NBEA (neurobeachin; plus strand). Cytogenetic location: 13q13.3.
Variant type: single nucleotide variant.
Coding change: c.2146G>C on transcript NM_001385012.1 (MANE Select); coding-DNA position 2146, G replaced by C.
Protein change: p.Asp716His; replaces aspartic acid 716 with histidine.
Molecular consequence: missense variant.
Genome position (GRCh38, 1-based): chr13:35,118,377, G>C. VCF-style: chr13-35118377-G-C. GRCh37 (hg19) VCF-style: chr13-35692514-G-C.
Other names: c.2146G>C, p.Asp716His (NM_001379245.1, NM_015678.5); short protein forms D716H.
Identifiers: ClinVar variation 1315843 (VCV001315843.2), dbSNP rs2066614951, ClinGen allele CA387832264.

ClinVar aggregate classification (germline): Uncertain significance (1 of 4 stars; one submission).

Submission:

GeneDx
Classification: Uncertain significance. Last evaluated: 2019-10-10. Review status: criteria provided, single submitter. Criteria: GeneDx Variant Classification Process June 2021. Collection method: clinical testing. Allele origin: germline. Affected: yes.
Comment: Not observed in large population cohorts (Lek et al., 2016); Has not been previously published as pathogenic or benign to our knowledge; In silico analysis, which includes protein predictors and evolutionary conservation, supports a deleterious effect; In-silico analysis, which includes splice predictors and evolutionary conservation, is inconclusive as to whether the variant alters gene splicing. In the absence of RNA/functional studies, the actual effect of this sequence change is unknown